The following is an entry in ClinVar:

ClinVar aggregate classification (germline): Uncertain significance (1 of 4 stars; one submission).

Conditions:
Alstrom syndrome (ALMS). Identifiers: Orphanet 64, MedGen C0268425, MONDO:0008763, OMIM 203800.

Allele frequency attached by ClinVar (database versions not stated): gnomAD exomes below 0.00001 and 0.00001; ExAC 0.00001.
gnomAD v4.1: 2 of 1,613,442 alleles (0.00012%); highest among the groups gnomAD compares: East Asian, 0.0045%; no homozygotes.

Submission:

Labcorp Genetics (formerly Invitae), Labcorp
Classification: Uncertain significance for Alstrom syndrome. Last evaluated: 2022-07-05. Review status: criteria provided, single submitter. Criteria: Invitae Variant Classification Sherloc (09022015). Collection method: clinical testing. Allele origin: germline.
Comment: This sequence change replaces valine, which is neutral and non-polar, with alanine, which is neutral and non-polar, at codon 2302 of the ALMS1 protein (p.Val2302Ala). This variant is present in population databases (rs759819986, gnomAD 0.01%). This variant has not been reported in the literature in individuals affected with ALMS1-related conditions. ClinVar contains an entry for this variant (Variation ID: 1485472). Experimental studies and prediction algorithms are not available or were not evaluated, and the functional significance of this variant is currently unknown. In summary, the available evidence is currently insufficient to determine the role of this variant in disease. Therefore, it has been classified as a Variant of Uncertain Significance.

NM_001378454.1(ALMS1):c.6902T>C (p.Val2301Ala)

Gene: ALMS1 (ALMS1 centrosome and basal body associated protein; plus strand). Cytogenetic location: 2p13.1.
Variant type: single nucleotide variant.
Coding change: c.6902T>C on transcript NM_001378454.1 (MANE Select); coding-DNA position 6902, T replaced by C.
Protein change: p.Val2301Ala; replaces valine 2301 with alanine.
Molecular consequence: missense variant.
Genome position (GRCh38, 1-based): chr2:73,453,429, T>C. VCF-style: chr2-73453429-T-C. GRCh37 (hg19) VCF-style: chr2-73680556-T-C.
Other names: c.6905T>C, p.Val2302Ala (NM_015120.4); short protein forms V2302A, V2301A.
Identifiers: ClinVar variation 1485472 (VCV001485472.3), dbSNP rs759819986, ClinGen allele CA1714146.